The following is an entry in ClinVar:

NM_017775.4(TTC19):c.*1194T>A

Gene: TTC19 (tetratricopeptide repeat domain 19; plus strand). Cytogenetic location: 17p12.
Variant type: single nucleotide variant.
Coding change: c.*1194T>A on transcript NM_017775.4 (MANE Select); 1194 bases downstream of the stop codon, T replaced by A.
Molecular consequence: 3 prime UTR variant.
Genome position (GRCh38, 1-based): chr17:16,028,716, T>A. VCF-style: chr17-16028716-T-A. GRCh37 (hg19) VCF-style: chr17-15932030-T-A.
Other names: c.*1194T>A (NM_001271420.2).
Identifiers: ClinVar variation 321968 (VCV000321968.29), dbSNP rs116722822, ClinGen allele CA8407687.
Genomic context (GRCh38, chr17:16,028,716, plus strand): 5'-CCATGAAGGAAGATTGACCCTGTTGGTATGCCTGTGGGGGTGGGATGTGAGTGGGACTGA[T>A]AAACTGATACTTTTGGTTCGTATGTACATACTGGAAGAATCTTCATAATAAATGAGACTA-3'

ClinVar aggregate classification (germline): Conflicting classifications of pathogenicity. Review status: criteria provided, conflicting classifications (1 of 4 stars). 2 submissions from 2 submitters: Uncertain significance (1); Benign (1). Last evaluated 2023-01-01.

Conditions:
Mitochondrial complex III deficiency nuclear type 2. Identifiers: MedGen C3554605, MONDO:0014063, OMIM 615157.

Allele frequency attached by ClinVar (database versions not stated): gnomAD exomes 0.00037 and 0.00062; gnomAD 0.00333 and 0.00370; 1000 Genomes Project 0.00339; TOPMed 0.00351; 1000 Genomes Project 30x 0.00359; ExAC below 0.00001.
gnomAD v4.1: 606 of 448,730 alleles (0.14%); highest among the groups gnomAD compares: African/African-American, 1.2%; 4 homozygotes.

Submissions (2):

CeGaT Center for Human Genetics Tuebingen
Classification: Benign. Last evaluated: 2023-01-01. Review status: criteria provided, single submitter. Criteria: CeGaT Center For Human Genetics Tuebingen Variant Classification Criteria Version 2. Collection method: clinical testing. Allele origin: germline. Affected: yes. Observed: 1 variant allele.
Comment: TTC19: BS1, BS2

Illumina Laboratory Services, Illumina
Classification: Uncertain significance for Mitochondrial complex III deficiency nuclear type 2. Last evaluated: 2018-01-13. Review status: criteria provided, single submitter. Criteria: ICSL Variant Classification Criteria 13 December 2019. Collection method: clinical testing. Allele origin: germline.